The following is an entry in ClinVar:

ClinVar aggregate classification (germline): Uncertain significance (1 of 4 stars; one submission).

Conditions:
Familial acute necrotizing encephalopathy (IIAE3). Also called: ENCEPHALOPATHY, ACUTE, INFECTION-INDUCED, SUSCEPTIBILITY TO, 3; Susceptibility to Acute Necrotizing Encephalopathy 1. Identifiers: Orphanet 88619, MedGen C2675556, MONDO:0011953, OMIM 608033.

Allele frequency attached by ClinVar (database versions not stated): gnomAD exomes 0.00001; TOPMed 0.00002; ExAC 0.00003.
gnomAD v4.1: 9 of 1,611,800 alleles (0.00056%); highest among the groups gnomAD compares: Admixed American, 0.0067%; no homozygotes.

Submission:

Labcorp Genetics (formerly Invitae), Labcorp
Classification: Uncertain significance for Familial acute necrotizing encephalopathy. Last evaluated: 2026-01-13. Review status: criteria provided, single submitter. Criteria: Invitae Variant Classification Sherloc (09022015). Collection method: clinical testing. Allele origin: germline.
Comment: This sequence change replaces alanine, which is neutral and non-polar, with threonine, which is neutral and polar, at codon 650 of the RANBP2 protein (p.Ala650Thr). This variant is present in population databases (rs757637271, gnomAD 0.006%). This variant has not been reported in the literature in individuals affected with RANBP2-related conditions. ClinVar contains an entry for this variant (Variation ID: 1512208). An algorithm developed to predict the effect of missense changes on protein structure and function (PolyPhen-2) suggests that this variant is likely to be tolerated. In summary, the available evidence is currently insufficient to determine the role of this variant in disease. Therefore, it has been classified as a Variant of Uncertain Significance.

NM_006267.5(RANBP2):c.1948G>A (p.Ala650Thr)

Gene: RANBP2 (RAN binding protein 2; plus strand). Cytogenetic location: 2q13.
Variant type: single nucleotide variant.
Coding change: c.1948G>A on transcript NM_006267.5 (MANE Select); coding-DNA position 1948, G replaced by A.
Protein change: p.Ala650Thr; replaces alanine 650 with threonine.
Molecular consequence: missense variant.
Genome position (GRCh38, 1-based): chr2:108,753,456, G>A. VCF-style: chr2-108753456-G-A. GRCh37 (hg19) VCF-style: chr2-109369912-G-A.
Other names: short protein forms A650T.
Identifiers: ClinVar variation 1512208 (VCV001512208.9), dbSNP rs757637271, ClinGen allele CA1822491.